The following is an entry in ClinVar:

ClinVar aggregate classification (germline): Conflicting classifications of pathogenicity. Review status: criteria provided, conflicting classifications (1 of 4 stars). 2 submissions from 2 submitters: Pathogenic (1); Uncertain significance (1). Last evaluated 2024-05-22.

Submissions (2):

Athena Diagnostics
Classification: Pathogenic. Last evaluated: 2024-05-22. Review status: criteria provided, single submitter. Criteria: Athena Diagnostics Criteria. Collection method: clinical testing. Allele origin: unknown.
Comment: This variant alters a critical location within the protein, and is expected to severely affect function and cause disease. This variant has not been reported in large, multi-ethnic general populations. This variant has been identified in at least one individual tested at Athena Diagnostics with clinical features associated with this gene. Greater than 90% of NOTCH3 pathogenic variants associated with CADASIL involve the gain or loss of a cysteine residue within the epidermal growth factor (EGF)-like repeat domain (PMID: 32457593, 20301673).

Labcorp Genetics (formerly Invitae), Labcorp
Classification: Uncertain significance. Last evaluated: 2024-04-25. Review status: criteria provided, single submitter. Criteria: Invitae Variant Classification Sherloc (09022015). Collection method: clinical testing. Allele origin: germline.
Comment: This sequence change replaces cysteine, which is neutral and slightly polar, with arginine, which is basic and polar, at codon 586 of the NOTCH3 protein (p.Cys586Arg). This variant is not present in population databases (gnomAD no frequency). This variant has not been reported in the literature in individuals affected with NOTCH3-related conditions. Advanced modeling of protein sequence and biophysical properties (such as structural, functional, and spatial information, amino acid conservation, physicochemical variation, residue mobility, and thermodynamic stability) performed at Invitae indicates that this missense variant is expected to disrupt NOTCH3 protein function with a positive predictive value of 95%. In summary, the available evidence is currently insufficient to determine the role of this variant in disease. Therefore, it has been classified as a Variant of Uncertain Significance.

NM_000435.3(NOTCH3):c.1756T>C (p.Cys586Arg)

Gene: NOTCH3 (notch receptor 3; minus strand). Cytogenetic location: 19p13.12.
Variant type: single nucleotide variant.
Coding change: c.1756T>C on transcript NM_000435.3 (MANE Select); coding-DNA position 1756, T replaced by C.
Protein change: p.Cys586Arg; replaces cysteine 586 with arginine.
Molecular consequence: missense variant.
Genome position (GRCh38, 1-based): chr19:15,187,189, A>G on the plus strand (T>C on the coding strand, the complement: NOTCH3 is on the minus strand). VCF-style: chr19-15187189-A-G. GRCh37 (hg19) VCF-style: chr19-15298000-A-G.
Other names: c.1756T>C (NM_000435.2); short protein forms C586R.
Identifiers: ClinVar variation 2698524 (VCV002698524.4), dbSNP rs2512657590, ClinGen allele CA404524919.